The following is an entry in ClinVar:

NM_013266.4(CTNNA3):c.1231A>G (p.Ile411Val)

Gene: CTNNA3 (catenin alpha 3; minus strand). Cytogenetic location: 10q21.3.
Variant type: single nucleotide variant.
Coding change: c.1231A>G on transcript NM_013266.4 (MANE Select); coding-DNA position 1231, A replaced by G.
Protein change: p.Ile411Val; replaces isoleucine 411 with valine.
Molecular consequence: missense variant.
Genome position (GRCh38, 1-based): chr10:66,766,314, T>C on the plus strand (A>G on the coding strand, the complement: CTNNA3 is on the minus strand). VCF-style: chr10-66766314-T-C. GRCh37 (hg19) VCF-style: chr10-68526072-T-C.
Other names: c.1231A>G, p.Ile411Val (NM_001127384.3); short protein forms I411V.
Identifiers: ClinVar variation 220976 (VCV000220976.16), dbSNP rs372808360, ClinGen allele CA349996.
Genomic context (GRCh38, chr10:66,766,314, plus strand): 5'-GCATGCTTACCTCTACAAGCCTGCTGGTGTGTTCATGAAATATCGCAGCATATTCTTTTA[T>C]TTCCTTTTCCCGGCCATTCTTAGCAGCTTCAATGAGAACCAAAAGAGGGACTGTCGTATC-3'
Protein context (NP_037398.2, residues 401-421): EAAKNGREKE[Ile411Val]KEYAAIFHEH

ClinVar aggregate classification (germline): Conflicting classifications of pathogenicity. Review status: criteria provided, conflicting classifications (1 of 4 stars). 5 submissions from 5 submitters: Uncertain significance (2); Likely benign (3). Last evaluated 2026-01-16.

Conditions:
Arrhythmogenic right ventricular dysplasia 13. Also called: ARRHYTHMOGENIC RIGHT VENTRICULAR CARDIOMYOPATHY 13; Arrhythmogenic right ventricular dysplasia, familial, 13. Identifiers: MedGen C3810138, MONDO:0000908, OMIM 615616.

Allele frequency attached by ClinVar (database versions not stated): ExAC 0.00006; gnomAD exomes 0.00006; gnomAD 0.00009 and 0.00011; TOPMed 0.00010.
gnomAD v4.1: 110 of 1,613,850 alleles (0.0068%); highest among the groups gnomAD compares: East Asian, 0.04%; 3 homozygotes.

Submissions (6):

Labcorp Genetics (formerly Invitae), Labcorp
Classification: Uncertain significance for Arrhythmogenic right ventricular dysplasia 13. Last evaluated: 2026-01-16. Review status: criteria provided, single submitter. Criteria: Invitae Variant Classification Sherloc (09022015). Collection method: clinical testing. Allele origin: germline.
Comment: This sequence change replaces isoleucine, which is neutral and non-polar, with valine, which is neutral and non-polar, at codon 411 of the CTNNA3 protein (p.Ile411Val). This variant is present in population databases (rs372808360, gnomAD 0.06%), and has an allele count higher than expected for a pathogenic variant. This variant has not been reported in the literature in individuals affected with CTNNA3-related conditions. ClinVar contains an entry for this variant (Variation ID: 220976). Invitae Evidence Modeling of protein sequence and biophysical properties (such as structural, functional, and spatial information, amino acid conservation, physicochemical variation, residue mobility, and thermodynamic stability) indicates that this missense variant is not expected to disrupt CTNNA3 protein function with a negative predictive value of 80%. In summary, the available evidence is currently insufficient to determine the role of this variant in disease. Therefore, it has been classified as a Variant of Uncertain Significance.

Blueprint Genetics
Classification: Likely benign. Last evaluated: 2024-11-11. Review status: criteria provided, single submitter. Criteria: ACMG Guidelines, 2015. Collection method: clinical testing. Allele origin: germline.

Revvity Omics, Revvity
Classification: Likely benign for Arrhythmogenic right ventricular dysplasia 13. Last evaluated: 2023-06-01. Review status: criteria provided, single submitter. Criteria: ACMG Guidelines, 2015. Collection method: clinical testing. Allele origin: germline.

GeneDx
Classification: Likely benign. Last evaluated: 2020-04-07. Review status: criteria provided, single submitter. Criteria: GeneDx Variant Classification Process June 2021. Collection method: clinical testing. Allele origin: germline. Affected: yes.

Fulgent Genetics
Classification: Uncertain significance for Arrhythmogenic right ventricular dysplasia 13. Last evaluated: 2018-10-31. Review status: criteria provided, single submitter. Criteria: ACMG Guidelines, 2015. Collection method: clinical testing. Allele origin: unknown.

Dr. Peter K. Rogan Lab, Western University
No classification provided (evidence only). Condition: Uterine corpus endometrial carcinoma. Review status: no classification provided. Collection method: in vitro. Allele origin: not applicable. Functional consequence: retained intron. Not counted in ClinVar's aggregate classification.